The following is an entry in ClinVar:

ClinVar aggregate classification (germline): Uncertain significance (1 of 4 stars; one submission).

Conditions:
PCNT-related disorder. Also called: PCNT-related condition.

gnomAD v4.1: 32 of 1,613,894 alleles (0.002%); highest among the groups gnomAD compares: Non-Finnish European, 0.0024%; no homozygotes.

Submission:

PreventionGenetics, part of Exact Sciences
Classification: Uncertain significance for PCNT-related condition. Last evaluated: 2025-02-24. Review status: criteria provided, single submitter. Criteria: ACMG Guidelines, 2015. Collection method: clinical testing. Allele origin: germline.
Comment: The PCNT c.2120A>C variant is predicted to result in the amino acid substitution p.Gln707Pro. To our knowledge, this variant has not been reported in the literature. This variant is reported in 0.014% of alleles in individuals of European (Non-Finnish) descent in gnomAD. At this time, the clinical significance of this variant is uncertain due to the absence of conclusive functional and genetic evidence.

NM_006031.6(PCNT):c.2120A>C (p.Gln707Pro)

Gene: PCNT (pericentrin; plus strand). Cytogenetic location: 21q22.3.
Variant type: single nucleotide variant.
Coding change: c.2120A>C on transcript NM_006031.6 (MANE Select); coding-DNA position 2120, A replaced by C.
Protein change: p.Gln707Pro; replaces glutamine 707 with proline.
Molecular consequence: missense variant.
Genome position (GRCh38, 1-based): chr21:46,357,157, A>C. VCF-style: chr21-46357157-A-C. GRCh37 (hg19) VCF-style: chr21-47777072-A-C.
Other names: c.1766A>C, p.Gln589Pro (NM_001315529.2); short protein forms Q707P, Q589P.
Identifiers: ClinVar variation 4987986 (VCV004987986.1).